The following is an entry in ClinVar:

NM_001370259.2(MEN1):c.914G>C (p.Gly305Ala)

Gene: MEN1 (menin 1; minus strand). Cytogenetic location: 11q13.1.
Variant type: single nucleotide variant.
Coding change: c.914G>C on transcript NM_001370259.2 (MANE Select); coding-DNA position 914, G replaced by C.
Protein change: p.Gly305Ala; replaces glycine 305 with alanine.
Molecular consequence: missense variant. On other transcripts: non-coding transcript variant (4).
Genome position (GRCh38, 1-based): chr11:64,806,367, C>G on the plus strand (G>C on the coding strand, the complement: MEN1 is on the minus strand). VCF-style: chr11-64806367-C-G. GRCh37 (hg19) VCF-style: chr11-64573839-C-G.
Other names: c.929G>C, p.Gly310Ala (NM_000244.4, NM_001407145.1, NM_001407150.1 and 5 more transcripts); c.914G>C, p.Gly305Ala (NM_001370251.2, NM_001370260.2, NM_001370261.2 and 7 more transcripts); c.809G>C, p.Gly270Ala (NM_001370262.2, NM_001370263.2, NM_001407148.1 and 2 more transcripts); short protein forms G270A, G305A, G310A.
Identifiers: ClinVar variation 3693905 (VCV003693905.2).

ClinVar aggregate classification (germline): Uncertain significance (1 of 4 stars; one submission).

Conditions:
Multiple endocrine neoplasia, type 1 (MEN1). Also called: MEN I; WERMER SYNDROME; Endocrine adenomatosis multiple; MEN 1; MEA I. Identifiers: Orphanet 652, MedGen C0025267, MeSH D018761, MONDO:0007540, OMIM 131100.

Submission:

Labcorp Genetics (formerly Invitae), Labcorp
Classification: Uncertain significance for Multiple endocrine neoplasia, type 1. Last evaluated: 2024-08-01. Review status: criteria provided, single submitter. Criteria: Invitae Variant Classification Sherloc (09022015). Collection method: clinical testing. Allele origin: germline.
Comment: This sequence change replaces glycine, which is neutral and non-polar, with alanine, which is neutral and non-polar, at codon 305 of the MEN1 protein (p.Gly305Ala). This variant is not present in population databases (gnomAD no frequency). This variant has not been reported in the literature in individuals affected with MEN1-related conditions. An algorithm developed to predict the effect of missense changes on protein structure and function (PolyPhen-2) suggests that this variant is likely to be tolerated. In summary, the available evidence is currently insufficient to determine the role of this variant in disease. Therefore, it has been classified as a Variant of Uncertain Significance.